The following is an entry in ClinVar:

ClinVar aggregate classification (germline): Pathogenic (1 of 4 stars; one submission).

Conditions:
Microcephaly, normal intelligence and immunodeficiency (NBS). Also called: Nijmegen breakage syndrome; Microcephaly with normal intelligence immunodeficiency and lymphoreticular malignancies; Nonsyndromal microcephaly autosomal recessive with normal intelligence; Seemanova syndrome 2; Immunodeficiency, microcephaly with normal intelligence; Ataxia telangiectasia variant V1. Identifiers: Orphanet 647, MedGen C0398791, MONDO:0009623, OMIM 251260.

Submission:

Labcorp Genetics (formerly Invitae), Labcorp
Classification: Pathogenic for Microcephaly, normal intelligence and immunodeficiency. Last evaluated: 2022-04-03. Review status: criteria provided, single submitter. Criteria: Invitae Variant Classification Sherloc (09022015). Collection method: clinical testing. Allele origin: germline.
Comment: This sequence change creates a premature translational stop signal (p.Gly327Profs*22) in the NBN gene. It is expected to result in an absent or disrupted protein product. Loss-of-function variants in NBN are known to be pathogenic (PMID: 9590180, 16415040). This variant is not present in population databases (gnomAD no frequency). This variant has not been reported in the literature in individuals affected with NBN-related conditions. For these reasons, this variant has been classified as Pathogenic.

Literature cited by the submitters: PubMed 9590180; PubMed 16415040.

NM_002485.5(NBN):c.979_980del (p.Gly327fs)

Gene: NBN (nibrin; minus strand). Cytogenetic location: 8q21.3.
Variant type: Deletion.
Coding change: c.979_980del on transcript NM_002485.5 (MANE Select); coding-DNA positions 979 to 980, 2 bases deleted (GG; older notation c.979_980delGG).
Protein change: p.Gly327fs; shifts the reading frame from glycine 327.
Molecular consequence: frameshift variant.
Genome position (GRCh38, 1-based): chr8:89,964,424-89,964,425, CC deleted on the plus strand (GG on the coding strand, the reverse complement: NBN is on the minus strand); deleting any 2 consecutive bases within chr8:89,964,424-89,964,426 gives the same sequence; the c. name uses the placement nearest the transcript's 3' end. VCF-style (leftmost placement, unchanged base first): chr8-89964423-GCC-G. GRCh37 (hg19) VCF-style: chr8-90976651-GCC-G.
Other names: c.733_734del, p.Gly245fs (NM_001024688.3); short protein forms G327fs, G245fs.
Identifiers: ClinVar variation 2120994 (VCV002120994.4), dbSNP rs2488284081, ClinGen allele CA2580078996.
Genomic context (GRCh38, chr8:89,964,423, plus strand): 5'-TACATAATAAAGTTGCTAACGAATCAATAAAATAATGCTTCAATTACCTGTACTGGGATG[GCC>G]CTGAGGATCACAGTAATTCTTTGTAGTCATGAAAATCACCGCCAATCCAATTTCTGCTTC-3'